The following is an entry in ClinVar:

ClinVar aggregate classification (germline): Uncertain significance (1 of 4 stars; one submission).

Conditions:
Arrhythmogenic right ventricular dysplasia 10. Also called: Arrhythmogenic Right Ventricular Dysplasia/Cardiomyopathy10; ARRHYTHMOGENIC RIGHT VENTRICULAR DYSPLASIA, FAMILIAL, 10; Arrhythmogenic right ventricular dysplasia/cardiomyopathy, type 10. Identifiers: MedGen C1857777, MONDO:0012434, OMIM 610193.

Submission:

Labcorp Genetics (formerly Invitae), Labcorp
Classification: Uncertain significance for Arrhythmogenic right ventricular dysplasia 10. Last evaluated: 2024-02-02. Review status: criteria provided, single submitter. Criteria: Invitae Variant Classification Sherloc (09022015). Collection method: clinical testing. Allele origin: germline.
Comment: This sequence change replaces threonine, which is neutral and polar, with proline, which is neutral and non-polar, at codon 650 of the DSG2 protein (p.Thr650Pro). This variant is not present in population databases (gnomAD no frequency). This variant has not been reported in the literature in individuals affected with DSG2-related conditions. Advanced modeling of protein sequence and biophysical properties (such as structural, functional, and spatial information, amino acid conservation, physicochemical variation, residue mobility, and thermodynamic stability) performed at Invitae indicates that this missense variant is not expected to disrupt DSG2 protein function with a negative predictive value of 95%. In summary, the available evidence is currently insufficient to determine the role of this variant in disease. Therefore, it has been classified as a Variant of Uncertain Significance.

NM_001943.5(DSG2):c.1948A>C (p.Thr650Pro)

Gene: DSG2 (desmoglein 2; plus strand). Cytogenetic location: 18q12.1.
Variant type: single nucleotide variant.
Coding change: c.1948A>C on transcript NM_001943.5 (MANE Select); coding-DNA position 1948, A replaced by C.
Protein change: p.Thr650Pro; replaces threonine 650 with proline.
Molecular consequence: missense variant.
Genome position (GRCh38, 1-based): chr18:31,541,261, A>C. VCF-style: chr18-31541261-A-C. GRCh37 (hg19) VCF-style: chr18-29121224-A-C.
Other names: short protein forms T650P.
Identifiers: ClinVar variation 3636659 (VCV003636659.2).
Genomic context (GRCh38, chr18:31,541,261, plus strand): 5'-CTTTTACTGCTGATGTGCCATTGCGGAAAGGGCGCCAAAGGCTTTACCCCCATACCTGGC[A>C]CCATAGAGATGCTGCATCCTTGGAATAATGAAGGAGCACCACCTGAAGACAAGGTCAGTG-3'
Protein context (NP_001934.2, residues 640-660): GAKGFTPIPG[Thr650Pro]IEMLHPWNNE